The following is an entry in ClinVar:

NM_006648.4(WNK2):c.5512A>C (p.Lys1838Gln)

Gene: WNK2 (WNK lysine deficient protein kinase 2; plus strand). Cytogenetic location: 9q22.31.
Variant type: single nucleotide variant.
Coding change: c.5512A>C on transcript NM_006648.4 (MANE Select); coding-DNA position 5512, A replaced by C.
Protein change: p.Lys1838Gln; replaces lysine 1838 with glutamine.
Molecular consequence: missense variant.
Genome position (GRCh38, 1-based): chr9:93,292,977, A>C. VCF-style: chr9-93292977-A-C. GRCh37 (hg19) VCF-style: chr9-96055259-A-C.
Other names: c.5623A>C, p.Lys1875Gln (NM_001282394.3); short protein forms K1875Q, K1838Q.
Identifiers: ClinVar variation 4201531 (VCV004201531.1).

ClinVar aggregate classification (germline): Uncertain significance (1 of 4 stars; one submission).

gnomAD v4.1: 2 of 1,545,430 alleles (0.00013%); highest among the groups gnomAD compares: Non-Finnish European, 0.00017%; no homozygotes.

Submission:

Ambry Genetics
Classification: Uncertain significance. Last evaluated: 2025-06-21. Review status: criteria provided, single submitter. Criteria: Ambry Variant Classification Scheme 2023. Collection method: clinical testing. Allele origin: germline.
Comment: The p.K1838Q variant (also known as c.5512A>C), located in coding exon 22 of the WNK2 gene, results from an A to C substitution at nucleotide position 5512. The lysine at codon 1838 is replaced by glutamine, an amino acid with similar properties. This amino acid position is conserved. In addition, the in silico prediction for this alteration is inconclusive. Based on the available evidence, the clinical significance of this variant remains unclear.